The following is an entry in ClinVar:

ClinVar aggregate classification (germline): Likely benign. Review status: criteria provided, multiple submitters, no conflicts (2 of 4 stars). 3 submissions from 3 submitters: Likely benign (3). Last evaluated 2026-09-01.

Conditions:
CABP4-related disorder. Also called: CABP4-related condition.

gnomAD v4.1: 49 of 1,612,852 alleles (0.003%); highest among the groups gnomAD compares: Admixed American, 0.08%; no homozygotes.

Submissions (3):

CeGaT Center for Human Genetics Tuebingen
Classification: Likely benign. Last evaluated: 2026-09-01. Review status: criteria provided, single submitter. Criteria: CeGaT Center For Human Genetics Tuebingen Variant Classification Criteria Version 2. Collection method: clinical testing. Allele origin: germline. Affected: yes. Observed: 1 variant allele.
Comment: CABP4: BP4, BP7

PreventionGenetics, part of Exact Sciences
Classification: Likely benign for CABP4-related condition. Last evaluated: 2024-11-03. Review status: criteria provided, single submitter. Criteria: ACMG Guidelines, 2015. Collection method: clinical testing. Allele origin: germline.
Comment: This variant is classified as likely benign based on ACMG/AMP sequence variant interpretation guidelines (Richards et al. 2015 PMID: 25741868, with internal and published modifications).

Blueprint Genetics
Classification: Likely benign. Last evaluated: 2021-05-31. Review status: criteria provided, single submitter. Criteria: ACMG Guidelines, 2015. Collection method: clinical testing. Allele origin: germline.

NM_145200.5(CABP4):c.367-34G>T

Gene: CABP4 (calcium binding protein 4; plus strand). Cytogenetic location: 11q13.2.
Variant type: single nucleotide variant.
Coding change: c.367-34G>T on transcript NM_145200.5 (MANE Select); 34 bases into the intron before coding-DNA position 367, G replaced by T.
Molecular consequence: intron variant. On other transcripts: synonymous variant (3).
Genome position (GRCh38, 1-based): chr11:67,456,154, G>T. VCF-style: chr11-67456154-G-T. GRCh37 (hg19) VCF-style: chr11-67223625-G-T.
Other names: c.18G>T, p.Leu6= (NM_001300895.3, NM_001300896.3, NM_001379183.1); c.18G>T (NM_001300896.1).
Identifiers: ClinVar variation 4912579 (VCV004912579.3).
Genomic context (GRCh38, chr11:67,456,154, plus strand): 5'-GGCCCTGCCCAGGCCAACATGAGCAGGGGATGAAGGAGGAAGGATGACAGAGCCGTGGCT[G>T]GCCCTGGGGACATCCTGGACTCTCCCCCTGCAGGACCGCGAACTGGGCCCCGAGGAGCTA-3'